The following is an entry in ClinVar:

NM_002471.4(MYH6):c.1120G>T (p.Ala374Ser)

Gene: MYH6 (myosin heavy chain 6; minus strand). Cytogenetic location: 14q11.2.
Variant type: single nucleotide variant.
Coding change: c.1120G>T on transcript NM_002471.4 (MANE Select); coding-DNA position 1120, G replaced by T.
Protein change: p.Ala374Ser; replaces alanine 374 with serine.
Molecular consequence: missense variant.
Genome position (GRCh38, 1-based): chr14:23,402,485, C>A on the plus strand (G>T on the coding strand, the complement: MYH6 is on the minus strand). VCF-style: chr14-23402485-C-A. GRCh37 (hg19) VCF-style: chr14-23871694-C-A.
Other names: short protein forms A374S.
Identifiers: ClinVar variation 992718 (VCV000992718.13), dbSNP rs1891633873, ClinGen allele CA389025713.

ClinVar aggregate classification (germline): Uncertain significance. Review status: criteria provided, multiple submitters, no conflicts (2 of 4 stars). 5 submissions from 5 submitters: Uncertain significance (5). Last evaluated 2025-10-06.

Conditions:
Hypertrophic cardiomyopathy 14. Identifiers: MedGen C2750467, MONDO:0013197, OMIM 613251.
Cardiovascular phenotype. Identifiers: MedGen CN230736.

Allele frequency attached by ClinVar (database versions not stated): gnomAD 0.00001; gnomAD exomes 0.00001.
gnomAD v4.1: 13 of 1,613,374 alleles (0.00081%); highest among the groups gnomAD compares: African/African-American, 0.0013%; no homozygotes.

Submissions (5):

Labcorp Genetics (formerly Invitae), Labcorp
Classification: Uncertain significance for Hypertrophic cardiomyopathy 14. Last evaluated: 2025-10-06. Review status: criteria provided, single submitter. Criteria: Invitae Variant Classification Sherloc (09022015). Collection method: clinical testing. Allele origin: germline.
Comment: This sequence change replaces alanine, which is neutral and non-polar, with serine, which is neutral and polar, at codon 374 of the MYH6 protein (p.Ala374Ser). This variant is not present in population databases (gnomAD no frequency). This variant has not been reported in the literature in individuals affected with MYH6-related conditions. ClinVar contains an entry for this variant (Variation ID: 992718). Invitae Evidence Modeling of protein sequence and biophysical properties (such as structural, functional, and spatial information, amino acid conservation, physicochemical variation, residue mobility, and thermodynamic stability) indicates that this missense variant is expected to disrupt MYH6 protein function with a positive predictive value of 80%. In summary, the available evidence is currently insufficient to determine the role of this variant in disease. Therefore, it has been classified as a Variant of Uncertain Significance.

GeneDx
Classification: Uncertain significance. Last evaluated: 2024-06-11. Review status: criteria provided, single submitter. Criteria: GeneDx Variant Classification Process June 2021. Collection method: clinical testing. Allele origin: germline. Affected: yes.
Comment: Has not been previously published as pathogenic or benign to our knowledge; Not observed at significant frequency in large population cohorts (gnomAD); In silico analysis indicates that this missense variant does not alter protein structure/function

Ambry Genetics
Classification: Uncertain significance for Cardiovascular phenotype. Last evaluated: 2023-11-23. Review status: criteria provided, single submitter. Criteria: Ambry Variant Classification Scheme 2023. Collection method: clinical testing. Allele origin: germline.
Comment: The p.A374S variant (also known as c.1120G>T), located in coding exon 10 of the MYH6 gene, results from a G to T substitution at nucleotide position 1120. The alanine at codon 374 is replaced by serine, an amino acid with similar properties. This amino acid position is highly conserved in available vertebrate species. In addition, the in silico prediction for this alteration is inconclusive. Since supporting evidence is limited at this time, the clinical significance of this alteration remains unclear.

New York Genome Center
Classification: Uncertain significance for Hypertrophic cardiomyopathy 14. Last evaluated: 2019-07-12. Review status: criteria provided, single submitter. Criteria: NYGC Assertion Criteria 2020. Collection method: clinical testing. Allele origin: germline. Observed: 1 heterozygote. Study: CSER-NYCKidSeq.
Comment: The variant is absent from the gnomAD and ExAC databases indicating it is an extremely rare allele in the populations represented in that database. The variant affects an evolutionary conserved residue at position 374 of the MYH6 protein and is predicted deleterious by in silico prediction tools. Based on the current evidence, the p.Ala374Ser variant in the MYH6 gene is assessed as a variant of uncertain significance.

Blueprint Genetics
Classification: Uncertain significance. Last evaluated: 2019-07-04. Review status: criteria provided, single submitter. Criteria: ACMG Guidelines, 2015. Collection method: clinical testing. Allele origin: germline.